The following is an entry in ClinVar:

NM_002661.5(PLCG2):c.1148_1149inv (p.Asp383Gly)

Gene: PLCG2 (phospholipase C gamma 2; plus strand). Cytogenetic location: 16q23.3.
Variant type: Inversion.
Coding change: c.1148_1149inv on transcript NM_002661.5 (MANE Select).
Protein change: p.Asp383Gly; replaces aspartic acid 383 with glycine.
Molecular consequence: missense variant.
Genome position: GRCh38 VCF-style: chr16-81895882-AC-GT. GRCh37 (hg19) VCF-style: chr16-81929487-AC-GT.
Other names: short protein forms D383G.
Identifiers: ClinVar variation 2498672 (VCV002498672.28), ClinGen allele CA2580092163.

ClinVar aggregate classification (germline): Uncertain significance (1 of 4 stars; one submission).

Submission:

CeGaT Center for Human Genetics Tuebingen
Classification: Uncertain significance. Last evaluated: 2023-01-01. Review status: criteria provided, single submitter. Criteria: CeGaT Center For Human Genetics Tuebingen Variant Classification Criteria Version 2. Collection method: clinical testing. Allele origin: germline. Affected: yes. Observed: 1 variant allele.
Comment: PLCG2: PM2